The following is an entry in ClinVar:

NM_001378452.1(ITPR1):c.8222T>C (p.Ile2741Thr)

Gene: ITPR1 (inositol 1,4,5-trisphosphate receptor type 1; plus strand). Cytogenetic location: 3p26.1.
Variant type: single nucleotide variant.
Coding change: c.8222T>C on transcript NM_001378452.1 (MANE Select); coding-DNA position 8222, T replaced by C.
Protein change: p.Ile2741Thr; replaces isoleucine 2741 with threonine.
Molecular consequence: missense variant.
Genome position (GRCh38, 1-based): chr3:4,846,170, T>C. VCF-style: chr3-4846170-T-C. GRCh37 (hg19) VCF-style: chr3-4887854-T-C.
Other names: c.8078T>C, p.Ile2693Thr (NM_001099952.4); c.8177T>C, p.Ile2726Thr (NM_001168272.2); c.8033T>C, p.Ile2678Thr (NM_002222.7); short protein forms I2678T, I2693T, I2726T, I2741T.
Identifiers: ClinVar variation 1810129 (VCV001810129.7), dbSNP rs775650383, ClinGen allele CA2233108.

ClinVar aggregate classification (germline): Uncertain significance. Review status: criteria provided, multiple submitters, no conflicts (2 of 4 stars). 2 submissions from 2 submitters: Uncertain significance (2). Last evaluated 2024-05-06.

Allele frequency attached by ClinVar (database versions not stated): gnomAD exomes below 0.00001; ExAC 0.00004.
gnomAD v4.1: 5 of 1,568,196 alleles (0.00032%); highest among the groups gnomAD compares: South Asian, 0.0047%; no homozygotes.

Submissions (2):

Labcorp Genetics (formerly Invitae), Labcorp
Classification: Uncertain significance. Last evaluated: 2024-05-06. Review status: criteria provided, single submitter. Criteria: Invitae Variant Classification Sherloc (09022015). Collection method: clinical testing. Allele origin: germline.
Comment: This sequence change replaces isoleucine, which is neutral and non-polar, with threonine, which is neutral and polar, at codon 2678 of the ITPR1 protein (p.Ile2678Thr). The frequency data for this variant in the population databases is considered unreliable, as metrics indicate poor data quality at this position in the gnomAD database. This variant has not been reported in the literature in individuals affected with ITPR1-related conditions. ClinVar contains an entry for this variant (Variation ID: 1810129). Advanced modeling of protein sequence and biophysical properties (such as structural, functional, and spatial information, amino acid conservation, physicochemical variation, residue mobility, and thermodynamic stability) has been performed at Invitae for this missense variant, however the output from this modeling did not meet the statistical confidence thresholds required to predict the impact of this variant on ITPR1 protein function. In summary, the available evidence is currently insufficient to determine the role of this variant in disease. Therefore, it has been classified as a Variant of Uncertain Significance.

GeneDx
Classification: Uncertain significance. Last evaluated: 2023-06-15. Review status: criteria provided, single submitter. Criteria: GeneDx Variant Classification Process June 2021. Collection method: clinical testing. Allele origin: germline. Affected: yes.
Comment: In silico analysis supports that this missense variant has a deleterious effect on protein structure/function; Has not been previously published as pathogenic or benign to our knowledge